The following is an entry in ClinVar:

NM_033380.3(COL4A5):c.1562G>A (p.Gly521Asp)

Gene: COL4A5 (collagen type IV alpha 5 chain; plus strand). Cytogenetic location: Xq22.3.
Variant type: single nucleotide variant.
Coding change: c.1562G>A on transcript NM_033380.3 (MANE Select); coding-DNA position 1562, G replaced by A.
Protein change: p.Gly521Asp; replaces glycine 521 with aspartic acid.
Molecular consequence: missense variant.
Genome position (GRCh38, 1-based): chrX:108,597,043, G>A. VCF-style: chrX-108597043-G-A. GRCh37 (hg19) VCF-style: chrX-107840273-G-A.
Other names: c.1562G>A, p.Gly521Asp (NM_000495.5); short protein forms G521D.
Identifiers: ClinVar variation 1457350 (VCV001457350.8), dbSNP rs104886122, ClinGen allele CA258493.

ClinVar aggregate classification (germline): Pathogenic. Review status: criteria provided, multiple submitters, no conflicts (2 of 4 stars). 4 submissions from 4 submitters: Pathogenic (4). Last evaluated 2024-06-11.

Conditions:
X-linked Alport syndrome (ATS1). Also called: NEPHROPATHY AND DEAFNESS, X-LINKED; COL4A5-Related Nephropathy. Identifiers: Orphanet 63, Orphanet 88917, MedGen C4746986, MONDO:0010520, OMIM 301050.

Submissions (4):

Women's Health and Genetics/Laboratory Corporation of America, LabCorp
Classification: Pathogenic for X-linked Alport syndrome. Last evaluated: 2024-06-11. Review status: criteria provided, single submitter. Criteria: LabCorp Variant Classification Summary - May 2015. Collection method: clinical testing. Allele origin: germline.
Comment: Variant summary: COL4A5 c.1562G>A (p.Gly521Asp) results in a non-conservative amino acid change located within the triple-helical region (UniProt) of the encoded protein sequence. This missense variant disrupts a critical glycine residue at position 1 of a Gly-X-Y repeat in the collagenous domain of the collagen IV alpha 5 chain, and variants affecting these glycine residues are significantly enriched in individuals with Alport syndrome (PMID: 33854215). Five of five in-silico tools predict a damaging effect of the variant on protein function. The frequency data for this variant in gnomAD is considered unreliable, as metrics indicate poor data quality at this position. c.1562G>A has been reported in the literature in two individuals affected with Alport Syndrome 1, X-Linked Recessive (King_2006, Gao_2022). These data indicate that the variant may be associated with disease. At least one publication reports experimental evidence evaluating an impact on protein function. The most pronounced variant effect results in >50% reduction in collagen assembly in an in vitro cell assay (Omachi_2018). The following publications have been ascertained in the context of this evaluation (PMID: 36685964, 16941480, 29526710, 22921432). ClinVar contains an entry for this variant (Variation ID: 1457350). Based on the evidence outlined above, the variant was classified as pathogenic.

Fulgent Genetics
Classification: Pathogenic for X-linked Alport syndrome. Last evaluated: 2024-06-10. Review status: criteria provided, single submitter. Criteria: ACMG Guidelines, 2015. Collection method: clinical testing. Allele origin: germline.

Labcorp Genetics (formerly Invitae), Labcorp
Classification: Pathogenic. Last evaluated: 2024-04-27. Review status: criteria provided, single submitter. Criteria: Invitae Variant Classification Sherloc (09022015). Collection method: clinical testing. Allele origin: germline.
Comment: This sequence change replaces glycine, which is neutral and non-polar, with aspartic acid, which is acidic and polar, at codon 521 of the COL4A5 protein (p.Gly521Asp). This variant is not present in population databases (gnomAD no frequency). This missense change has been observed in individuals with Alport syndrome (PMID: 16941480, 22921432). ClinVar contains an entry for this variant (Variation ID: 1457350). Advanced modeling of protein sequence and biophysical properties (such as structural, functional, and spatial information, amino acid conservation, physicochemical variation, residue mobility, and thermodynamic stability) performed at Invitae indicates that this missense variant is expected to disrupt COL4A5 protein function with a positive predictive value of 95%. This variant disrupts the triple helix domain of COL4A5. Glycine residues within the Gly-Xaa-Yaa repeats of the triple helix domain are required for the structure and stability of fibrillar collagens (PMID: 7695699, 8218237, 19344236). In COL4A5, missense variants at these glycine residues are significantly enriched in individuals with disease (PMID: 23720012, 27627812) compared to the general population (ExAC). For these reasons, this variant has been classified as Pathogenic.

Eurofins-Biomnis
Classification: Pathogenic for X-linked Alport syndrome. Last evaluated: 2022-11-25. Review status: criteria provided, single submitter. Criteria: Accession Criteria ClinVar Biomnis. Collection method: clinical testing. Allele origin: germline. Affected: yes. Observed: 1 heterozygote.

Literature cited by the submitters: PubMed 29526710 (cited by Women's Health and Genetics/Laboratory Corporation of America, LabCorp); PubMed 36685964 (cited by Women's Health and Genetics/Laboratory Corporation of America, LabCorp); PubMed 16941480 (cited by Women's Health and Genetics/Laboratory Corporation of America, LabCorp and Labcorp Genetics (formerly Invitae), Labcorp); PubMed 22921432 (cited by Women's Health and Genetics/Laboratory Corporation of America, LabCorp and Labcorp Genetics (formerly Invitae), Labcorp); PubMed 7695699 (cited by Labcorp Genetics (formerly Invitae), Labcorp); PubMed 8218237 (cited by Labcorp Genetics (formerly Invitae), Labcorp); PubMed 19344236 (cited by Labcorp Genetics (formerly Invitae), Labcorp); PubMed 23720012 (cited by Labcorp Genetics (formerly Invitae), Labcorp); PubMed 27627812 (cited by Labcorp Genetics (formerly Invitae), Labcorp).